The following is an entry in ClinVar:

ClinVar aggregate classification (germline): Conflicting classifications of pathogenicity. Review status: criteria provided, conflicting classifications (1 of 4 stars). 7 submissions from 7 submitters: Uncertain significance (4); Likely benign (2). 1 of the submissions does not count toward it. Last evaluated 2026-01-22.

Conditions:
Inborn genetic diseases. Identifiers: MedGen C0950123, MeSH D030342.
ADGRV1-related disorder. Also called: ADGRV1-related condition; ADGRV1-related disorders.

Allele frequency attached by ClinVar (database versions not stated): ExAC 0.00003; gnomAD exomes 0.00005; ESP Exome Variant Server 0.00008; gnomAD 0.00008; TOPMed 0.00008; 1000 Genomes Project 30x 0.00016; 1000 Genomes Project 0.00020.
gnomAD v4.1: 54 of 1,613,612 alleles (0.0033%); highest among the groups gnomAD compares: Admixed American, 0.05%; no homozygotes.

Submissions (7):

Labcorp Genetics (formerly Invitae), Labcorp
Classification: Likely benign. Last evaluated: 2026-01-22. Review status: criteria provided, single submitter. Criteria: Invitae Variant Classification Sherloc (09022015). Collection method: clinical testing. Allele origin: germline.

GeneDx
Classification: Uncertain significance. Last evaluated: 2025-11-25. Review status: criteria provided, single submitter. Criteria: GeneDx Variant Classification Process June 2021. Collection method: clinical testing. Allele origin: germline. Affected: yes.
Comment: In silico analysis suggests that this missense variant does not alter protein structure/function; Has not been previously published as pathogenic or benign to our knowledge

Ambry Genetics
Classification: Uncertain significance for Inborn genetic diseases. Last evaluated: 2025-05-15. Review status: criteria provided, single submitter. Criteria: Ambry Variant Classification Scheme 2023. Collection method: clinical testing. Allele origin: germline.

Blueprint Genetics
Classification: Likely benign. Last evaluated: 2024-07-19. Review status: criteria provided, single submitter. Criteria: ACMG Guidelines, 2015. Collection method: clinical testing. Allele origin: germline.

Laboratory for Molecular Medicine, Mass General Brigham Personalized Medicine
Classification: Uncertain significance. Last evaluated: 2015-10-04. Review status: criteria provided, single submitter. Criteria: LMM Criteria. Collection method: clinical testing. Allele origin: germline. Observed: 2 variant alleles.
Comment: The p.Gln5781Arg variant in GPR98 has not been previously reported in individual s with hearing loss, but has been identified in 2/11342 of Latino chromosomes by the Exome Aggregation Consortium (ExAC;rs369717 492). Computational prediction tools and conservation analyses suggest that the Gln5781Arg variant may not impact the protein, though this information is not pr edictive enough to rule out pathogenicity. In summary, the clinical significance of the p.Gln5781Arg variant is uncertain.

Eurofins Ntd Llc (ga)
Classification: Uncertain significance. Last evaluated: 2015-01-22. Review status: criteria provided, single submitter. Criteria: EGL Classification Definitions 2015. Collection method: clinical testing. Allele origin: germline. Observed: 2 variant alleles, 2 heterozygotes.

PreventionGenetics, part of Exact Sciences
Classification: Uncertain significance for ADGRV1-related condition. Last evaluated: 2024-03-28. Review status: no assertion criteria provided. Collection method: clinical testing. Allele origin: germline. Not counted in ClinVar's aggregate classification.
Comment: The ADGRV1 c.17342A>G variant is predicted to result in the amino acid substitution p.Gln5781Arg. To our knowledge, this variant has not been reported in the literature. This variant is reported in 0.031% of alleles in individuals of Latino descent in gnomAD. At this time, the clinical significance of this variant is uncertain due to the absence of conclusive functional and genetic evidence.

NM_032119.4(ADGRV1):c.17342A>G (p.Gln5781Arg)

Gene: ADGRV1 (adhesion G protein-coupled receptor V1; plus strand). Cytogenetic location: 5q14.3.
Variant type: single nucleotide variant.
Coding change: c.17342A>G on transcript NM_032119.4 (MANE Select); coding-DNA position 17342, A replaced by G.
Protein change: p.Gln5781Arg; replaces glutamine 5781 with arginine.
Molecular consequence: missense variant. On other transcripts: non-coding transcript variant (1).
Genome position (GRCh38, 1-based): chr5:90,853,421, A>G. VCF-style: chr5-90853421-A-G. GRCh37 (hg19) VCF-style: chr5-90149238-A-G.
Other names: short protein forms Q5781R.
Identifiers: ClinVar variation 163628 (VCV000163628.25), dbSNP rs369717492, ClinGen allele CA176254.